The following is an entry in ClinVar:

NM_013339.4(ALG6):c.-196A>G

Gene: ALG6 (ALG6 alpha-1,3-glucosyltransferase; plus strand). Cytogenetic location: 1p31.3.
Variant type: single nucleotide variant.
Coding change: c.-196A>G on transcript NM_013339.4 (MANE Select); 196 bases upstream of the start codon, A replaced by G.
Molecular consequence: 5 prime UTR variant.
Genome position (GRCh38, 1-based): chr1:63,370,782, A>G. VCF-style: chr1-63370782-A-G. GRCh37 (hg19) VCF-style: chr1-63836453-A-G.
Other names: c.-196A>G (LRG_1260t1).
Identifiers: ClinVar variation 510668 (VCV000510668.1), dbSNP rs924330655, ClinGen allele CA23799092.

ClinVar aggregate classification (germline): Likely benign (1 of 4 stars; one submission).

Allele frequency attached by ClinVar (database versions not stated): TOPMed below 0.00001; gnomAD 0.00001; gnomAD exomes 0.00002.
gnomAD v4.1: 8 of 617,604 alleles (0.0013%); highest among the groups gnomAD compares: South Asian, 0.0076%; no homozygotes.

Submission:

GeneDx
Classification: Likely benign. Last evaluated: 2017-07-18. Review status: criteria provided, single submitter. Criteria: GeneDx Variant Classification (06012015). Collection method: clinical testing. Allele origin: germline. Affected: yes.
Comment: This variant is considered likely benign or benign based on one or more of the following criteria: it is a conservative change, it occurs at a poorly conserved position in the protein, it is predicted to be benign by multiple in silico algorithms, and/or has population frequency not consistent with disease.